The following is an entry in ClinVar:

ClinVar aggregate classification (germline): Uncertain significance. Review status: criteria provided, multiple submitters, no conflicts (2 of 4 stars). 2 submissions from 2 submitters: Uncertain significance (2). Last evaluated 2025-11-10.

Conditions:
Inborn genetic diseases. Identifiers: MedGen C0950123, MeSH D030342.

Allele frequency attached by ClinVar (database versions not stated): gnomAD exomes 0.00003; TOPMed 0.00003; gnomAD 0.00004; ESP Exome Variant Server 0.00016.
gnomAD v4.1: 45 of 1,562,680 alleles (0.0029%); highest among the groups gnomAD compares: Non-Finnish European, 0.0029%; no homozygotes.

Submissions (2):

Labcorp Genetics (formerly Invitae), Labcorp
Classification: Uncertain significance. Last evaluated: 2025-11-10. Review status: criteria provided, single submitter. Criteria: Invitae Variant Classification Sherloc (09022015). Collection method: clinical testing. Allele origin: germline.
Comment: This sequence change replaces glutamic acid, which is acidic and polar, with lysine, which is basic and polar, at codon 161 of the ATP5D protein (p.Glu161Lys). This variant is present in population databases (rs370466468, gnomAD 0.01%). This variant has not been reported in the literature in individuals affected with ATP5D-related conditions. ClinVar contains an entry for this variant (Variation ID: 1920676). An algorithm developed to predict the effect of missense changes on protein structure and function (PolyPhen-2) suggests that this variant is likely to be disruptive. In summary, the available evidence is currently insufficient to determine the role of this variant in disease. Therefore, it has been classified as a Variant of Uncertain Significance.

Ambry Genetics
Classification: Uncertain significance for Inborn genetic diseases. Last evaluated: 2024-11-11. Review status: criteria provided, single submitter. Criteria: Ambry Variant Classification Scheme 2023. Collection method: clinical testing. Allele origin: germline.

NM_001687.5(ATP5F1D):c.481G>A (p.Glu161Lys)

Genes: ATP5F1D (ATP synthase F1 subunit delta; plus strand), LOC130062904 (ATAC-STARR-seq lymphoblastoid silent region 9674; plus strand). Cytogenetic location: 19p13.3.
Variant type: single nucleotide variant.
Coding change: c.481G>A on transcript NM_001687.5 (MANE Select); coding-DNA position 481, G replaced by A.
Protein change: p.Glu161Lys; replaces glutamic acid 161 with lysine.
Molecular consequence: missense variant.
Genome position (GRCh38, 1-based): chr19:1,244,411, G>A. VCF-style: chr19-1244411-G-A. GRCh37 (hg19) VCF-style: chr19-1244410-G-A.
Other names: c.481G>A, p.Glu161Lys (NM_001001975.2); c.481G>A (NM_001687.4); short protein forms E161K.
Identifiers: ClinVar variation 1920676 (VCV001920676.6), dbSNP rs370466468, ClinGen allele CA304014406.